The following is an entry in ClinVar:

NM_001378373.1(MBL2):c.118T>G (p.Ser40Ala)

Gene: MBL2 (mannose binding lectin 2; minus strand). Cytogenetic location: 10q21.1.
Variant type: single nucleotide variant.
Coding change: c.118T>G on transcript NM_001378373.1 (MANE Select); coding-DNA position 118, T replaced by G.
Protein change: p.Ser40Ala; replaces serine 40 with alanine.
Molecular consequence: missense variant.
Genome position (GRCh38, 1-based): chr10:52,771,518, A>C on the plus strand (T>G on the coding strand, the complement: MBL2 is on the minus strand). VCF-style: chr10-52771518-A-C. GRCh37 (hg19) VCF-style: chr10-54531278-A-C.
Other names: c.118T>G, p.Ser40Ala (NM_000242.3, NM_001378374.1); short protein forms S40A.
Identifiers: ClinVar variation 2640480 (VCV002640480.24), dbSNP rs148483303, ClinGen allele CA5504432.
Genomic context (GRCh38, chr10:52,771,518, plus strand): 5'-CCTTTTCTCCCTTGGTGCCATCACGCCCATCTTTGCCTGGGAAGCCGTTGATGCCTGGAG[A>C]GCTACAGGCAATCACTGCAGGGCAGGTCTTTTGGGCATCCTCACAGGTCACAGTTTCTGA-3'
Protein context (NP_001365302.1, residues 30-50): KTCPAVIACS[Ser40Ala]PGINGFPGKD

ClinVar aggregate classification (germline): Likely benign (1 of 4 stars; one submission).

Allele frequency attached by ClinVar (database versions not stated): gnomAD exomes 0.00002; ExAC 0.00011; gnomAD 0.00034; ESP Exome Variant Server 0.00062; 1000 Genomes Project 0.00080; 1000 Genomes Project 30x 0.00094.
gnomAD v4.1: 89 of 1,613,474 alleles (0.0055%); highest among the groups gnomAD compares: African/African-American, 0.087%; 1 homozygote.

Submission:

CeGaT Center for Human Genetics Tuebingen
Classification: Likely benign. Last evaluated: 2023-03-01. Review status: criteria provided, single submitter. Criteria: CeGaT Center For Human Genetics Tuebingen Variant Classification Criteria Version 2. Collection method: clinical testing. Allele origin: germline. Affected: yes. Observed: 2 variant alleles.
Comment: MBL2: BS1